The following is an entry in ClinVar:

ClinVar aggregate classification (germline): Uncertain significance (1 of 4 stars; one submission).

Allele frequency attached by ClinVar (database versions not stated): ExAC 0.00001.

Submission:

Ambry Genetics
Classification: Uncertain significance. Last evaluated: 2022-12-09. Review status: criteria provided, single submitter. Criteria: Ambry Variant Classification Scheme 2023. Collection method: clinical testing. Allele origin: germline.
Comment: The p.L676F variant (also known as c.2026C>T), located in coding exon 18 of the BUB1 gene, results from a C to T substitution at nucleotide position 2026. The leucine at codon 676 is replaced by phenylalanine, an amino acid with highly similar properties. This amino acid position is conserved. In addition, this alteration is predicted to be tolerated by in silico analysis. Since supporting evidence is limited at this time, the clinical significance of this alteration remains unclear.

NM_004336.5(BUB1):c.2026C>T (p.Leu676Phe)

Gene: BUB1 (BUB1 mitotic checkpoint serine/threonine kinase; minus strand). Cytogenetic location: 2q13.
Variant type: single nucleotide variant.
Coding change: c.2026C>T on transcript NM_004336.5 (MANE Select); coding-DNA position 2026, C replaced by T.
Protein change: p.Leu676Phe; replaces leucine 676 with phenylalanine.
Molecular consequence: missense variant.
Genome position (GRCh38, 1-based): chr2:110,650,723, G>A on the plus strand (C>T on the coding strand, the complement: BUB1 is on the minus strand). VCF-style: chr2-110650723-G-A. GRCh37 (hg19) VCF-style: chr2-111408300-G-A.
Other names: c.1966C>T, p.Leu656Phe (NM_001278616.2); c.2026C>T, p.Leu676Phe (NM_001278617.2); short protein forms L656F, L676F.
Identifiers: ClinVar variation 2464581 (VCV002464581.2), dbSNP rs774561598, ClinGen allele CA1827903.
Genomic context (GRCh38, chr2:110,650,723, plus strand): 5'-CAACGCCCAACTCTGCCTCACAGGTAAGTACCCCACCTGCAGCAGGCTGGCTCAGACGAA[G>A]TAAGGATGCTGAATACATGTGAGACGACAAGGCCTGTTTTGGGCTTTTCTCTTGAATTGG-3'
Protein context (NP_004327.1, residues 666-686): LSSHMYSASL[Leu676Phe]RLSQPAAGGV